The following is an entry in ClinVar:

ClinVar aggregate classification (germline): Uncertain significance (1 of 4 stars; one submission).

Submission:

GeneDx
Classification: Uncertain significance. Last evaluated: 2023-08-18. Review status: criteria provided, single submitter. Criteria: GeneDx Variant Classification Process June 2021. Collection method: clinical testing. Allele origin: germline. Affected: yes.
Comment: Has not been previously published as pathogenic or benign to our knowledge; Not observed at significant frequency in large population cohorts (gnomAD); In silico analysis supports a deleterious effect on splicing; RNA studies performed by an outside laboratory demonstrated aberrant splicing upstream of the initiation codon, as well as equal amounts of wild type transcript, with an unclear impact on protein expression and function.

NM_002734.5(PRKAR1A):c.-6-1G>A

Gene: PRKAR1A (protein kinase cAMP-dependent type I regulatory subunit alpha; plus strand). Cytogenetic location: 17q24.2.
Variant type: single nucleotide variant.
Coding change: c.-6-1G>A on transcript NM_002734.5 (MANE Select); the canonical splice acceptor site of the intron before 6 bases upstream of the start codon, G replaced by A.
Molecular consequence: splice acceptor variant.
Genome position (GRCh38, 1-based): chr17:68,515,393, G>A. VCF-style: chr17-68515393-G-A. GRCh37 (hg19) VCF-style: chr17-66511534-G-A.
Other names: c.-6-1G>A (NM_001278433.2, NM_001369389.1, NM_212471.3 and 3 more transcripts).
Identifiers: ClinVar variation 2576803 (VCV002576803.1), dbSNP rs2509357045, ClinGen allele CA2580613236.
Genomic context (GRCh38, chr17:68,515,393, plus strand): 5'-ATGCCAGATTGACATTTTGCTTTATAGTTTATACAAGCATGTGTGTGTTTTTTTCTCGCA[G>A]AGAACCATGGAGTCTGGCAGTACCGCCGCCAGTGAGGAGGCACGCAGCCTTCGAGAATGT-3'